The following is an entry in ClinVar:

NM_004380.3(CREBBP):c.4322G>C (p.Arg1441Pro)

Gene: CREBBP (CREB binding lysine acetyltransferase; minus strand). Cytogenetic location: 16p13.3.
Variant type: single nucleotide variant.
Coding change: c.4322G>C on transcript NM_004380.3 (MANE Select); coding-DNA position 4322, G replaced by C.
Protein change: p.Arg1441Pro; replaces arginine 1441 with proline.
Molecular consequence: missense variant.
Genome position (GRCh38, 1-based): chr16:3,738,631, C>G on the plus strand (G>C on the coding strand, the complement: CREBBP is on the minus strand). VCF-style: chr16-3738631-C-G. GRCh37 (hg19) VCF-style: chr16-3788632-C-G.
Other names: c.4208G>C, p.Arg1403Pro (NM_001079846.1); short protein forms R1441P, R1403P.
Identifiers: ClinVar variation 3572800 (VCV003572800.2).

ClinVar aggregate classification (germline): Pathogenic (1 of 4 stars; one submission).

Submission:

GeneDx
Classification: Pathogenic. Last evaluated: 2026-10-04. Review status: criteria provided, single submitter. Criteria: GeneDx Variant Classification Process June 2021. Collection method: clinical testing. Allele origin: germline.
Comment: Not observed at significant frequency in large population cohorts (gnomAD); In silico analysis supports that this missense variant has a deleterious effect on protein structure/function; Has not been previously published as pathogenic or benign to our knowledge; This variant is associated with the following publications: (PMID: 12070251)